The following is an entry in ClinVar:

ClinVar aggregate classification (germline): Uncertain significance (1 of 4 stars; one submission).

gnomAD v4.1: 8 of 1,586,380 alleles (0.0005%); highest among the groups gnomAD compares: African/African-American, 0.0027%; 1 homozygote.

Submission:

Women's Health and Genetics/Laboratory Corporation of America, LabCorp
Classification: Uncertain significance. Last evaluated: 2026-02-24. Review status: criteria provided, single submitter. Criteria: LabCorp Variant Classification Summary - May 2015. Collection method: clinical testing. Allele origin: germline.
Comment: Variant summary: HTT c.8275G>A/p.Val2759Met (also known as c.8281G>A/p.Val2761Met in RefSeq) results in a conservative amino acid change in the encoded protein sequence. Algorithms developed to predict the effect of missense changes on protein structure and function are either unavailable or do not agree on the potential impact of this missense change. The variant allele was found at a frequency of 8.2e-06 in 244700 control chromosomes. The available data on variant occurrences in the general population are insufficient to allow any conclusion about variant significance. To our knowledge, no occurrence of c.8275G>A in individuals affected with HTT-related conditions and no experimental evidence demonstrating its impact on protein function have been reported. No submitters have cited clinical-significance assessments for this variant to ClinVar. Based on the evidence outlined above, the variant was classified as uncertain significance.

NM_001388492.1(HTT):c.8275G>A (p.Val2759Met)

Gene: HTT (huntingtin; plus strand). Cytogenetic location: 4p16.3.
Variant type: single nucleotide variant.
Coding change: c.8275G>A on transcript NM_001388492.1 (MANE Select); coding-DNA position 8275, G replaced by A.
Protein change: p.Val2759Met; replaces valine 2759 with methionine.
Molecular consequence: missense variant.
Genome position (GRCh38, 1-based): chr4:3,233,172, G>A. VCF-style: chr4-3233172-G-A. GRCh37 (hg19) VCF-style: chr4-3234899-G-A.
Other names: c.8281G>A, p.Val2761Met (NM_002111.8); short protein forms V2759M, V2761M.
Identifiers: ClinVar variation 4848142 (VCV004848142.1).